The following is an entry in ClinVar:

NM_006648.4(WNK2):c.2823G>C (p.Gln941His)

Gene: WNK2 (WNK lysine deficient protein kinase 2; plus strand). Cytogenetic location: 9q22.31.
Variant type: single nucleotide variant.
Coding change: c.2823G>C on transcript NM_006648.4 (MANE Select); coding-DNA position 2823, G replaced by C.
Protein change: p.Gln941His; replaces glutamine 941 with histidine.
Molecular consequence: missense variant.
Genome position (GRCh38, 1-based): chr9:93,259,371, G>C. VCF-style: chr9-93259371-G-C. GRCh37 (hg19) VCF-style: chr9-96021653-G-C.
Other names: c.2823G>C, p.Gln941His (NM_001282394.3); short protein forms Q941H.
Identifiers: ClinVar variation 3981639 (VCV003981639.1).

ClinVar aggregate classification (germline): Uncertain significance (1 of 4 stars; one submission).

Submission:

Ambry Genetics
Classification: Uncertain significance. Last evaluated: 2025-03-15. Review status: criteria provided, single submitter. Criteria: Ambry Variant Classification Scheme 2023. Collection method: clinical testing. Allele origin: germline.
Comment: The p.Q941H variant (also known as c.2823G>C), located in coding exon 11 of the WNK2 gene, results from a G to C substitution at nucleotide position 2823. The glutamine at codon 941 is replaced by histidine, an amino acid with highly similar properties. This amino acid position is conserved. In addition, this alteration is predicted to be tolerated by in silico analysis. Based on the available evidence, the clinical significance of this variant remains unclear.